The following is an entry in ClinVar:

ClinVar aggregate classification (germline): Pathogenic (1 of 4 stars; one submission).

Conditions:
Neurofibromatosis, type 1 (NF1). Also called: Peripheral type neurofibromatosis; VON RECKLINGHAUSEN DISEASE; Neurofibromatosis, type I; NEUROFIBROMATOSIS, TYPE I, SOMATIC. Identifiers: Orphanet 636, MedGen C0027831, MONDO:0018975, OMIM 162200. Disease mechanism: loss of function.

Submission:

Juno Genomics, Hangzhou Juno Genomics, Inc
Classification: Pathogenic for Neurofibromatosis, type 1. Review status: criteria provided, single submitter. Criteria: ACMG Guidelines, 2015. Collection method: clinical testing. Allele origin: germline.
Comment: Null variant in a gene where loss of function (LOF) is a known mechanism of disease.;Absent from controls (or at extremely low frequency if recessive) in Genome Aggregation Database.;Patient's phenotype or family history is highly specific for a disease with a single genetic etiology.

NM_001042492.3(NF1):c.378_387del (p.Glu126fs)

Gene: NF1 (neurofibromin 1; plus strand). Cytogenetic location: 17q11.2.
Variant type: Deletion.
Coding change: c.378_387del on transcript NM_001042492.3 (MANE Select); coding-DNA positions 378 to 387, 10 bases deleted (AGGAAACCAG; older notation c.378_387delAGGAAACCAG).
Protein change: p.Glu126fs; shifts the reading frame from glutamic acid 126.
Molecular consequence: frameshift variant.
Genome position (GRCh38, 1-based): chr17:31,163,275-31,163,284, AGGAAACCAG deleted. VCF-style (leftmost placement, unchanged base first): chr17-31163274-AAGGAAACCAG-A. GRCh37 (hg19) VCF-style: chr17-29490292-AAGGAAACCAG-A.
Other names: c.378_387del, p.Glu126fs (NM_000267.4, NM_001128147.3); short protein forms E126fs.
Identifiers: ClinVar variation 5005728 (VCV005005728.2).